The following is an entry in ClinVar:

ClinVar aggregate classification (germline): Conflicting classifications of pathogenicity. Review status: criteria provided, conflicting classifications (1 of 4 stars). 4 submissions from 4 submitters: Uncertain significance (3); Likely benign (1). Last evaluated 2025-11-17.

Conditions:
Pfeiffer syndrome (ACS5). Also called: ACS V. Identifiers: Orphanet 710, MedGen C0220658, MONDO:0007043, OMIM 101600.
Hypogonadotropic hypogonadism 2 with or without anosmia (HH2). Also called: HYPOGONADOTROPIC HYPOGONADISM 2 WITHOUT ANOSMIA; HYPOGONADOTROPIC HYPOGONADISM 2 WITH OR WITHOUT ANOSMIA, SUSCEPTIBILITY TO; HYPOGONADOTROPIC HYPOGONADISM 2 WITHOUT ANOSMIA, SUSCEPTIBILITY TO; FGFR1-Related GnRH Deficiency (Kallmann Syndrome 2). Identifiers: Orphanet 478, MedGen C1563720, MONDO:0007844, OMIM 147950. Disease mechanism: loss of function.
Trigonocephaly 1 (TRIGNO1). Identifiers: Orphanet 3366, MedGen C0432122, MONDO:0008603, OMIM 190440.
Encephalocraniocutaneous lipomatosis (ECCL). Identifiers: Orphanet 2396, MedGen C0406612, MONDO:0013074, OMIM 613001.
Osteoglophonic dysplasia (OGD). Also called: Osteoglophonic dwarfism. Identifiers: Orphanet 2645, MedGen C0432283, MONDO:0008150, OMIM 166250.
Jackson-Weiss syndrome (JWS). Also called: CRANIOSYNOSTOSIS, MIDFACIAL HYPOPLASIA, AND FOOT ABNORMALITIES. Identifiers: Orphanet 1540, MedGen C0795998, MONDO:0007400, OMIM 123150. Disease mechanism: loss of function.
Hartsfield-Bixler-Demyer syndrome (HRTFDS). Also called: Holoprosencephaly, ectrodactyly, and bilateral cleft lip/palate; Hartsfield syndrome; FGFR1-Related Hartsfield Syndrome. Identifiers: Orphanet 2117, MedGen C1845146, MONDO:0014196, OMIM 615465. Disease mechanism: loss of function.

Allele frequency attached by ClinVar (database versions not stated): gnomAD 0.00002; gnomAD exomes 0.00002; ExAC 0.00003; TOPMed 0.00004; ESP Exome Variant Server 0.00008.
gnomAD v4.1: 32 of 1,613,850 alleles (0.002%); highest among the groups gnomAD compares: Middle Eastern, 0.016%; no homozygotes.

Submissions (4):

Labcorp Genetics (formerly Invitae), Labcorp
Classification: Uncertain significance for Pfeiffer syndrome; Hypogonadotropic hypogonadism 2 with or without anosmia. Last evaluated: 2025-11-17. Review status: criteria provided, single submitter. Criteria: Invitae Variant Classification Sherloc (09022015). Collection method: clinical testing. Allele origin: germline.
Comment: This sequence change replaces arginine, which is basic and polar, with histidine, which is basic and polar, at codon 756 of the FGFR1 protein (p.Arg756His). This variant is present in population databases (rs374473310, gnomAD 0.003%). This missense change has been observed in individual(s) with Chiari 1 malformation and/or hypothalamic amenorrhea (PMID: 21247312, 33337535). ClinVar contains an entry for this variant (Variation ID: 1416171). Invitae Evidence Modeling of protein sequence and biophysical properties (such as structural, functional, and spatial information, amino acid conservation, physicochemical variation, residue mobility, and thermodynamic stability) indicates that this missense variant is not expected to disrupt FGFR1 protein function with a negative predictive value of 80%. Experimental studies have shown that this missense change affects FGFR1 function (PMID: 21247312). In summary, the available evidence is currently insufficient to determine the role of this variant in disease. Therefore, it has been classified as a Variant of Uncertain Significance.

GeneDx
Classification: Uncertain significance. Last evaluated: 2025-07-28. Review status: criteria provided, single submitter. Criteria: GeneDx Variant Classification Process June 2021. Collection method: clinical testing. Allele origin: germline. Affected: yes.
Comment: Reported in an individual with hypothalamic amenorrhea (PMID: 21247312); In silico analysis supports that this missense variant has a deleterious effect on protein structure/function; This variant is associated with the following publications: (PMID: 34426522, 33337535, 21247312, 26556299)

CeGaT Center for Human Genetics Tuebingen
Classification: Uncertain significance. Last evaluated: 2024-12-01. Review status: criteria provided, single submitter. Criteria: CeGaT Center For Human Genetics Tuebingen Variant Classification Criteria Version 2. Collection method: clinical testing. Allele origin: germline. Affected: yes. Observed: 1 variant allele.
Comment: FGFR1: PM2:Supporting, PS4:Supporting

Fulgent Genetics
Classification: Likely benign for Pfeiffer syndrome; Jackson-Weiss syndrome; Hypogonadotropic hypogonadism 2 with or without anosmia; Osteoglophonic dysplasia; Trigonocephaly 1; Encephalocraniocutaneous lipomatosis; Hartsfield-Bixler-Demyer syndrome. Last evaluated: 2024-02-21. Review status: criteria provided, single submitter. Criteria: ACMG Guidelines, 2015. Collection method: clinical testing. Allele origin: germline.

Literature cited by the submitters: PubMed 21247312 (cited by Labcorp Genetics (formerly Invitae), Labcorp); PubMed 33337535 (cited by Labcorp Genetics (formerly Invitae), Labcorp).

NM_023110.3(FGFR1):c.2267G>A (p.Arg756His)

Gene: FGFR1 (fibroblast growth factor receptor 1; minus strand). Cytogenetic location: 8p11.23.
Variant type: single nucleotide variant.
Coding change: c.2267G>A on transcript NM_023110.3 (MANE Select); coding-DNA position 2267, G replaced by A.
Protein change: p.Arg756His; replaces arginine 756 with histidine.
Molecular consequence: missense variant.
Genome position (GRCh38, 1-based): chr8:38,413,943, C>T on the plus strand (G>A on the coding strand, the complement: FGFR1 is on the minus strand). VCF-style: chr8-38413943-C-T. GRCh37 (hg19) VCF-style: chr8-38271461-C-T.
Other names: c.2261G>A, p.Arg754His (NM_001174063.2, NM_001174065.2, NM_001354367.2 and 1 more transcripts); c.2237G>A, p.Arg746His (NM_001174064.2); c.2000G>A, p.Arg667His (NM_001174066.2, NM_023105.3); c.2360G>A, p.Arg787His (NM_001174067.2); c.1988G>A, p.Arg663His (NM_001354368.2); c.2255G>A, p.Arg752His (NM_001354369.2); c.1994G>A, p.Arg665His (NM_001354370.2, NM_023106.3); c.2267G>A (NM_023110.2); short protein forms R663H, R746H, R665H, R756H, R752H, R787H, R667H, R754H.
Identifiers: ClinVar variation 1416171 (VCV001416171.22), dbSNP rs374473310, ClinGen allele CA4718135.
Genomic context (GRCh38, chr8:38,413,943, plus strand): 5'-GGCCTGAGCTCTGGCTCTGGCACGGGCAGCCTTACCTGGTTGGAGGTCAAGGCCACGATG[C>T]GGTCCAGGTCTTCCACCAGCTGCTTGAAGGTGGGTCTCTGTGAGGGCACTGCATGCCAGC-3'
Protein context (NP_075598.2, residues 746-766): TFKQLVEDLD[Arg756His]IVALTSNQEY